The following is an entry in ClinVar:

NM_152564.5(VPS13B):c.11809_11812dup (p.Thr3938fs)

Gene: VPS13B (vacuolar protein sorting 13 homolog B; plus strand). Cytogenetic location: 8q22.2.
Variant type: Duplication.
Coding change: c.11809_11812dup on transcript NM_152564.5 (MANE Select); coding-DNA positions 11809 to 11812, 4 bases duplicated (AAGA; older notation c.11809_11812dupAAGA).
Protein change: p.Thr3938fs; shifts the reading frame from threonine 3938.
Molecular consequence: frameshift variant.
Genome position (GRCh38, 1-based): chr8:99,875,481-99,875,484, AAGA duplicated; duplicating any 4 consecutive bases within chr8:99,875,480-99,875,484 gives the same sequence; the c. name uses the placement nearest the transcript's 3' end. VCF-style (leftmost placement, unchanged base first): chr8-99875479-C-CAAAG. GRCh37 (hg19) VCF-style: chr8-100887707-C-CAAAG.
Other names: c.11884_11887dup, p.Thr3963fs (NM_017890.5); short protein forms T3938fs, T3963fs.
Identifiers: ClinVar variation 2760279 (VCV002760279.3), dbSNP rs2492411438, ClinGen allele CA2697550049.
Genomic context (GRCh38, chr8:99,875,479, plus strand): 5'-TAGATGGAGTCCGAGAGAGACTGTCAGAGCAACAGTACAACAGACTGGTGGACTACATCA[C>CAAAG]AAAGACATCTTGTCACCTGGCCCCCAGCTGTTCTTCCATGCAAATACCATGCCCTGTGGT-3'

ClinVar aggregate classification (germline): Pathogenic (1 of 4 stars; one submission).

Conditions:
Cohen syndrome (COH1). Also called: PEPPER SYNDROME; Cutis verticis gyrata, retinitis pigmentosa, and sensorineural deafness. Identifiers: Orphanet 193, MedGen C0265223, MONDO:0008999, OMIM 216550.

Submission:

Labcorp Genetics (formerly Invitae), Labcorp
Classification: Pathogenic for Cohen syndrome. Last evaluated: 2023-10-22. Review status: criteria provided, single submitter. Criteria: Invitae Variant Classification Sherloc (09022015). Collection method: clinical testing. Allele origin: germline.
Comment: This sequence change creates a premature translational stop signal (p.Thr3963Lysfs*30) in the VPS13B gene. While this is not anticipated to result in nonsense mediated decay, it is expected to disrupt the last 60 amino acid(s) of the VPS13B protein. This variant is not present in population databases (gnomAD no frequency). This variant has not been reported in the literature in individuals affected with VPS13B-related conditions. This variant disrupts a region of the VPS13B protein in which other variant(s) (p.Lys3991Leufs*23) have been determined to be pathogenic (Invitae). This suggests that this is a clinically significant region of the protein, and that variants that disrupt it are likely to be disease-causing. For these reasons, this variant has been classified as Pathogenic.